The following is an entry in ClinVar:

ClinVar aggregate classification (germline): Benign (0 of 4 stars; one submission).

Conditions:
ADRA2B-related disorder. Also called: ADRA2B-related condition.

Allele frequency attached by ClinVar (database versions not stated): gnomAD exomes 0.04748; ESP Exome Variant Server 0.04809; gnomAD 0.05712; TOPMed 0.06655; ExAC 0.07287; 1000 Genomes Project 30x 0.09494; 1000 Genomes Project 0.09645.
gnomAD v4.1: 78,824 of 1,611,556 alleles (4.9%); highest among the groups gnomAD compares: East Asian, 17%; 3,024 homozygotes.

Submission:

PreventionGenetics, part of Exact Sciences
Classification: Benign for ADRA2B-related condition. Last evaluated: 2020-04-29. Review status: no assertion criteria provided. Collection method: clinical testing. Allele origin: germline.
Comment: This variant is classified as benign based on ACMG/AMP sequence variant interpretation guidelines (Richards et al. 2015 PMID: 25741868, with internal and published modifications).

NM_000682.7(ADRA2B):c.36A>G (p.Thr12=)

Gene: ADRA2B (adrenoceptor alpha 2B; minus strand). Cytogenetic location: 2q11.2.
Variant type: single nucleotide variant.
Coding change: c.36A>G on transcript NM_000682.7 (MANE Select); coding-DNA position 36, A replaced by G.
Protein change: p.Thr12=; no amino-acid change (threonine 12 retained).
Molecular consequence: synonymous variant.
Genome position (GRCh38, 1-based): chr2:96,116,114, T>C on the plus strand (A>G on the coding strand, the complement: ADRA2B is on the minus strand). VCF-style: chr2-96116114-T-C. GRCh37 (hg19) VCF-style: chr2-96781853-T-C.
Identifiers: ClinVar variation 3035382 (VCV003035382.2), dbSNP rs9333567, ClinGen allele CA1776082.
Genomic context (GRCh38, chr2:96,116,114, plus strand): 5'-CAGAGCGTTGCCGAAGATGGTAAAGAGAATGAGGAAGGTGATGGCCGCCGCTATGGCCGC[T>C]GTGGCCTGCACGGAGTAGGGGTCCTGGTGGTCCATGACGGGGCGGGAGGTGGGCAGAGGG-3'
Protein context (NP_000673.2, residues 2-22): DHQDPYSVQA[Thr12=]AAIAAAITFL